The following is an entry in ClinVar:

ClinVar aggregate classification (germline): Pathogenic (1 of 4 stars; one submission).

Conditions:
BBS2-related ciliopathy. Identifiers: MedGen CN378634, MONDO:1040048.

gnomAD v4.1: 1 of 1,614,128 alleles (0.000062%); highest among the groups gnomAD compares: Non-Finnish European, 0.000085%; no homozygotes.

Submission:

Myriad Genetics, Inc.
Classification: Pathogenic for BBS2-related ciliopathy. Last evaluated: 2025-02-15. Review status: criteria provided, single submitter. Criteria: Myriad Autosomal Dominant, Autosomal Recessive and X-Linked Classification Criteria (2023). Collection method: clinical testing. Allele origin: unknown.
Comment: NM_031885.3(BBS2):c.1522C>T(Q508*) is expected to be pathogenic in the context of Bardet-Biedl syndrome, BBS2-related. This variant is predicted to lead to an abnormal or absent protein product due to the creation of a premature termination codon in BBS2, a gene where loss-of-function variants are known to be pathogenic. Please note: this variant was assessed in the context of healthy population screening.

NM_031885.5(BBS2):c.1522C>T (p.Gln508Ter)

Gene: BBS2 (Bardet-Biedl syndrome 2; minus strand). Cytogenetic location: 16q13.
Variant type: single nucleotide variant.
Coding change: c.1522C>T on transcript NM_031885.5 (MANE Select); coding-DNA position 1522, C replaced by T.
Protein change: p.Gln508Ter; replaces glutamine 508 with a stop codon.
Molecular consequence: nonsense. On other transcripts: non-coding transcript variant (5).
Genome position (GRCh38, 1-based): chr16:56,499,783, G>A on the plus strand (C>T on the coding strand, the complement: BBS2 is on the minus strand). VCF-style: chr16-56499783-G-A. GRCh37 (hg19) VCF-style: chr16-56533695-G-A.
Other names: c.1522C>T, p.Gln508Ter (NM_001377456.1); short protein forms Q508*.
Identifiers: ClinVar variation 5014100 (VCV005014100.1).